The following is an entry in ClinVar:

NM_001042492.3(NF1):c.1541A>C (p.Gln514Pro)

Gene: NF1 (neurofibromin 1; plus strand). Cytogenetic location: 17q11.2.
Variant type: single nucleotide variant.
Coding change: c.1541A>C on transcript NM_001042492.3 (MANE Select); coding-DNA position 1541, A replaced by C.
Protein change: p.Gln514Pro; replaces glutamine 514 with proline.
Molecular consequence: missense variant.
Genome position (GRCh38, 1-based): chr17:31,219,018, A>C. VCF-style: chr17-31219018-A-C. GRCh37 (hg19) VCF-style: chr17-29546036-A-C.
Other names: c.1541A>C, p.Gln514Pro (NM_000267.4, NM_001128147.3); short protein forms Q514P.
Identifiers: ClinVar variation 232968 (VCV000232968.30), dbSNP rs775369084, ClinGen allele CA8485806.

ClinVar aggregate classification (germline): Conflicting classifications of pathogenicity. Review status: criteria provided, conflicting classifications (1 of 4 stars). 10 submissions from 9 submitters: Uncertain significance (2); Benign (1); Likely benign (6). 1 of the submissions does not count toward it. Last evaluated 2026-02-02.

Conditions:
NF1-related disorder. Also called: NF1-related condition. Identifiers: MedGen CN379171.
Hereditary cancer-predisposing syndrome. Also called: Neoplastic Syndromes, Hereditary; Hereditary Cancer Syndrome; Tumor predisposition; Hereditary neoplastic syndrome. Identifiers: Orphanet 140162, MedGen C0027672, MeSH D009386, MONDO:0015356.
Cardiovascular phenotype. Identifiers: MedGen CN230736.
Neurofibromatosis, type 1 (NF1). Also called: VON RECKLINGHAUSEN DISEASE; Peripheral type neurofibromatosis; NEUROFIBROMATOSIS, TYPE I, SOMATIC; Neurofibromatosis, type I. Identifiers: Orphanet 636, MedGen C0027831, MONDO:0018975, OMIM 162200. Disease mechanism: loss of function.

Allele frequency attached by ClinVar (database versions not stated): gnomAD 0.00001; TOPMed 0.00009.
gnomAD v4.1: 38 of 1,613,082 alleles (0.0024%); highest among the groups gnomAD compares: Admixed American, 0.064%; no homozygotes.

Submissions (10):

Labcorp Genetics (formerly Invitae), Labcorp
Classification: Likely benign for Neurofibromatosis, type 1. Last evaluated: 2026-02-02. Review status: criteria provided, single submitter. Criteria: Invitae Variant Classification Sherloc (09022015). Collection method: clinical testing. Allele origin: germline.

Women's Health and Genetics/Laboratory Corporation of America, LabCorp
Classification: Likely benign. Last evaluated: 2025-07-08. Review status: criteria provided, single submitter. Criteria: LabCorp Variant Classification Summary - May 2015. Collection method: clinical testing. Allele origin: germline.
Comment: Variant summary: NF1 c.1541A>C (p.Gln514Pro) results in a non-conservative amino acid change in the encoded protein sequence. Algorithms developed to predict the effect of missense changes on protein structure and function are either unavailable or do not agree on the potential impact of this missense change. The variant allele was found at a frequency of 0.00015 in 250198 control chromosomes, predominantly at a frequency of 0.001 within the Latino subpopulation in the gnomAD database. The observed variant frequency within Latino control individuals in the gnomAD database is approximately 5 fold of the estimated maximal expected allele frequency for a pathogenic variant in NF1 causing Neurofibromatosis Type 1 phenotype (0.00021). To our knowledge, no occurrence of c.1541A>C in individuals affected with Neurofibromatosis Type 1 and no experimental evidence demonstrating its impact on protein function have been reported. ClinVar contains an entry for this variant (Variation ID: 232968). Based on the evidence outlined above, the variant was classified as likely benign.

CeGaT Center for Human Genetics Tuebingen
Classification: Uncertain significance. Last evaluated: 2025-07-01. Review status: criteria provided, single submitter. Criteria: CeGaT Center For Human Genetics Tuebingen Variant Classification Criteria Version 2. Collection method: clinical testing. Allele origin: germline. Affected: yes. Observed: 1 variant allele.
Comment: NF1: PP2

Quest Diagnostics Nichols Institute San Juan Capistrano
Classification: Benign. Last evaluated: 2021-07-14. Review status: criteria provided, single submitter. Criteria: Quest Diagnostics criteria. Collection method: clinical testing. Allele origin: unknown.

GeneDx
Classification: Likely benign. Last evaluated: 2020-12-07. Review status: criteria provided, single submitter. Criteria: GeneDx Variant Classification Process June 2021. Collection method: clinical testing. Allele origin: germline. Affected: yes.
Comment: In silico analysis, which includes protein predictors and evolutionary conservation, supports that this variant does not alter protein structure/function; Has not been previously published as pathogenic or benign to our knowledge

Blueprint Genetics
Classification: Likely benign. Last evaluated: 2020-03-10. Review status: criteria provided, single submitter. Criteria: ACMG Guidelines, 2015. Collection method: clinical testing. Allele origin: germline.

Ambry Genetics
Classification: Likely benign for Cardiovascular phenotype; Hereditary cancer-predisposing syndrome. Last evaluated: 2019-03-19. Review status: criteria provided, single submitter. Criteria: Ambry Variant Classification Scheme 2023. Collection method: clinical testing. Allele origin: germline.

Center for Human Genetics, Inc
Classification: Likely benign for Neurofibromatosis, type 1. Last evaluated: 2016-11-01. Review status: criteria provided, single submitter. Criteria: ACMG Guidelines, 2015. Collection method: clinical testing. Allele origin: germline. Affected: yes.

Ambry Genetics
Classification: Uncertain significance for Hereditary cancer-predisposing syndrome. Last evaluated: 2015-07-16. Review status: criteria provided, single submitter. Criteria: Ambry Autosomal Dominant and X-Linked criteria (10/2015). Collection method: clinical testing. Allele origin: germline. Observed: 1 variant allele.
Comment: The p.Q514P variant (also known as c.1541A>C), located in coding exon 14 of the NF1 gene, results from an A to C substitution at nucleotide position 1541. The glutamine at codon 514 is replaced by proline, an amino acid with somesimilar properties. This variant was not reported in population based cohorts in the following databases: Database of Single Nucleotide Polymorphisms (dbSNP), NHLBI Exome Sequencing Project (ESP), and 1000 Genomes Project. In the ESP, this variant was not observed in 6503 samples (13006 alleles) with coverage at this position.To date, this alteration has been detected with an allele frequency of approximately 0.002% (greater than 55000alleles tested) in our clinical cohort.This amino acid position is well conserved in available vertebrate species. In addition, this alteration is predicted to be tolerated by in silico analysis. Since supporting evidence is limited at this time, the clinical significance of p.Q514Premains unclear.

PreventionGenetics, part of Exact Sciences
Classification: Likely benign for NF1-related condition. Last evaluated: 2019-09-11. Review status: no assertion criteria provided. Collection method: clinical testing. Allele origin: germline. Not counted in ClinVar's aggregate classification.
Comment: This variant is classified as likely benign based on ACMG/AMP sequence variant interpretation guidelines (Richards et al. 2015 PMID: 25741868, with internal and published modifications).

Literature cited by the submitters: PubMed 10678181 (cited by Women's Health and Genetics/Laboratory Corporation of America, LabCorp); PubMed 23460398 (cited by Women's Health and Genetics/Laboratory Corporation of America, LabCorp); PubMed 29872168 (cited by Women's Health and Genetics/Laboratory Corporation of America, LabCorp).